The following is an entry in ClinVar:

NM_001378454.1(ALMS1):c.847G>C (p.Glu283Gln)

Gene: ALMS1 (ALMS1 centrosome and basal body associated protein; plus strand). Cytogenetic location: 2p13.1.
Variant type: single nucleotide variant.
Coding change: c.847G>C on transcript NM_001378454.1 (MANE Select); coding-DNA position 847, G replaced by C.
Protein change: p.Glu283Gln; replaces glutamic acid 283 with glutamine.
Molecular consequence: missense variant.
Genome position (GRCh38, 1-based): chr2:73,424,512, G>C. VCF-style: chr2-73424512-G-C. GRCh37 (hg19) VCF-style: chr2-73651640-G-C.
Other names: c.850G>C, p.Glu284Gln (NM_015120.4); short protein forms E283Q, E284Q.
Identifiers: ClinVar variation 1059780 (VCV001059780.7), dbSNP rs780066739, ClinGen allele CA1712999.
Genomic context (GRCh38, chr2:73,424,512, plus strand): 5'-GATACTGAATGGTCTTCTCGACCATCGGAAGTTAGTGAAGCTTTATTCCAGGCTACTGCA[G>C]AAGTAGCTTCAGACTTAGCAAGCAGTCGCTTTAGTGTATCTCAGCACCCGCTTATAGGCA-3'
Protein context (NP_001365383.1, residues 273-293): VSEALFQATA[Glu283Gln]VASDLASSRF

ClinVar aggregate classification (germline): Conflicting classifications of pathogenicity. Review status: criteria provided, conflicting classifications (1 of 4 stars). 3 submissions from 3 submitters: Uncertain significance (1); Likely benign (1). 1 of the submissions does not count toward it. Last evaluated 2024-01-08.

Conditions:
Cardiovascular phenotype. Identifiers: MedGen CN230736.
Alstrom syndrome (ALMS). Identifiers: Orphanet 64, MedGen C0268425, MONDO:0008763, OMIM 203800.

Allele frequency attached by ClinVar (database versions not stated): gnomAD exomes below 0.00001 and 0.00001; ExAC 0.00001; gnomAD 0.00001.
gnomAD v4.1: 15 of 1,609,782 alleles (0.00093%); highest among the groups gnomAD compares: Non-Finnish European, 0.0013%; no homozygotes.

Submissions (3):

Ambry Genetics
Classification: Likely benign for Cardiovascular phenotype. Last evaluated: 2024-01-08. Review status: criteria provided, single submitter. Criteria: Ambry Variant Classification Scheme 2023. Collection method: clinical testing. Allele origin: germline.

Labcorp Genetics (formerly Invitae), Labcorp
Classification: Uncertain significance for Alstrom syndrome. Last evaluated: 2020-08-20. Review status: criteria provided, single submitter. Criteria: Invitae Variant Classification Sherloc (09022015). Collection method: clinical testing. Allele origin: germline.
Comment: This sequence change replaces glutamic acid with glutamine at codon 284 of the ALMS1 protein (p.Glu284Gln). The glutamic acid residue is moderately conserved and there is a small physicochemical difference between glutamic acid and glutamine. This variant is present in population databases (rs780066739, ExAC 0.002%). This variant has not been reported in the literature in individuals with ALMS1-related conditions. Experimental studies and prediction algorithms are not available or were not evaluated, and the functional significance of this variant is currently unknown. In summary, the available evidence is currently insufficient to determine the role of this variant in disease. Therefore, it has been classified as a Variant of Uncertain Significance.

Natera, Inc.
Classification: Uncertain significance for Alstrom syndrome. Last evaluated: 2020-03-10. Review status: no assertion criteria provided. Collection method: clinical testing. Allele origin: germline. Not counted in ClinVar's aggregate classification.